The following is an entry in ClinVar:

NM_000051.4(ATM):c.3524C>T (p.Ala1175Val)

Gene: ATM (ATM serine/threonine kinase; plus strand). Cytogenetic location: 11q22.3.
Variant type: single nucleotide variant.
Coding change: c.3524C>T on transcript NM_000051.4 (MANE Select); coding-DNA position 3524, C replaced by T.
Protein change: p.Ala1175Val; replaces alanine 1175 with valine.
Molecular consequence: missense variant.
Genome position (GRCh38, 1-based): chr11:108,281,116, C>T. VCF-style: chr11-108281116-C-T. GRCh37 (hg19) VCF-style: chr11-108151843-C-T.
Other names: c.3524C>T, p.Ala1175Val (NM_001351834.2); short protein forms A1175V.
Identifiers: ClinVar variation 2774576 (VCV002774576.3), dbSNP rs2135669077, ClinGen allele CA382520102.

ClinVar aggregate classification (germline): Uncertain significance. Review status: criteria provided, multiple submitters, no conflicts (2 of 4 stars). 2 submissions from 2 submitters: Uncertain significance (2). Last evaluated 2024-03-20.

Conditions:
Familial cancer of breast. Also called: Hereditary breast cancer; BREAST CANCER, FAMILIAL; hereditary breast carcinoma. Identifiers: Orphanet 227535, MedGen C0346153, MONDO:0016419, OMIM 114480. Disease mechanism: loss of function.
Hereditary cancer-predisposing syndrome. Also called: Neoplastic Syndromes, Hereditary; Tumor predisposition; Hereditary Cancer Syndrome; Hereditary neoplastic syndrome. Identifiers: Orphanet 140162, MedGen C0027672, MeSH D009386, MONDO:0015356.

Submissions (2):

Baylor Genetics
Classification: Uncertain significance for Familial cancer of breast. Last evaluated: 2024-03-20. Review status: criteria provided, single submitter. Criteria: ACMG Guidelines, 2015. Collection method: clinical testing. Allele origin: unknown.

Color Diagnostics, LLC DBA Color Health
Classification: Uncertain significance for Hereditary cancer-predisposing syndrome. Last evaluated: 2024-03-06. Review status: criteria provided, single submitter. Criteria: ACMG Guidelines, 2015. Collection method: clinical testing. Allele origin: germline.
Comment: This missense variant replaces alanine with valine at codon 1175 of the ATM protein. Computational prediction suggests that this variant may not impact protein structure and function (internally defined REVEL score threshold <= 0.5, PMID: 27666373). To our knowledge, functional studies have not been reported for this variant. This variant has not been reported in individuals affected with hereditary cancer in the literature. This variant has not been identified in the general population by the Genome Aggregation Database (gnomAD). The available evidence is insufficient to determine the role of this variant in disease conclusively. Therefore, this variant is classified as a Variant of Uncertain Significance.